The following is an entry in ClinVar:

ClinVar aggregate classification (germline): Uncertain significance (1 of 4 stars; one submission).

Submission:

Labcorp Genetics (formerly Invitae), Labcorp
Classification: Uncertain significance. Last evaluated: 2020-10-24. Review status: criteria provided, single submitter. Criteria: Invitae Variant Classification Sherloc (09022015). Collection method: clinical testing. Allele origin: germline.
Comment: This variant results in a copy number gain of the genomic region encompassing exon(s) 1 of the STX3 gene. This region includes the initiator codon of the gene. The 5' end of this event is unknown as it extends beyond the assayed region for this gene and therefore may encompass additional genes. The 3' boundary is likely confined to intron 1 of the STX3 gene. As the precise location of this event is unknown, it may be in tandem or it may be located elsewhere in the genome. In summary, the available evidence is currently insufficient to determine the role of this variant in disease. Therefore, it has been classified as a Variant of Uncertain Significance. Experimental studies and prediction algorithms are not available or were not evaluated, and the functional significance of this variant is currently unknown. This variant has not been reported in the literature in individuals with STX3-related conditions.

NC_000011.9:g.(?_59523079)_(59523128_?)dup

Gene: STX3 (syntaxin 3; plus strand). Cytogenetic location: 11q12.1.
Variant type: Duplication.
Identifiers: ClinVar variation 1411097 (VCV001411097.4).